The following is an entry in ClinVar:

NM_006059.4(LAMC3):c.1367G>A (p.Gly456Asp)

Gene: LAMC3 (laminin subunit gamma 3; plus strand). Cytogenetic location: 9q34.12.
Variant type: single nucleotide variant.
Coding change: c.1367G>A on transcript NM_006059.4 (MANE Select); coding-DNA position 1367, G replaced by A.
Protein change: p.Gly456Asp; replaces glycine 456 with aspartic acid.
Molecular consequence: missense variant.
Genome position (GRCh38, 1-based): chr9:131,041,720, G>A. VCF-style: chr9-131041720-G-A. GRCh37 (hg19) VCF-style: chr9-133917107-G-A.
Other names: short protein forms G456D.
Identifiers: ClinVar variation 1481002 (VCV001481002.6), dbSNP rs1588147392, ClinGen allele CA375260598.

ClinVar aggregate classification (germline): Uncertain significance. Review status: criteria provided, multiple submitters, no conflicts (2 of 4 stars). 2 submissions from 2 submitters: Uncertain significance (2). Last evaluated 2024-08-29.

Allele frequency attached by ClinVar (database versions not stated): gnomAD exomes below 0.00001; TOPMed below 0.00001.
gnomAD v4.1: 5 of 1,613,678 alleles (0.00031%); highest among the groups gnomAD compares: South Asian, 0.0033%; no homozygotes.

Submissions (2):

Blueprint Genetics
Classification: Uncertain significance. Last evaluated: 2024-08-29. Review status: criteria provided, single submitter. Criteria: ACMG Guidelines, 2015. Collection method: clinical testing. Allele origin: germline.

Labcorp Genetics (formerly Invitae), Labcorp
Classification: Uncertain significance. Last evaluated: 2022-08-16. Review status: criteria provided, single submitter. Criteria: Invitae Variant Classification Sherloc (09022015). Collection method: clinical testing. Allele origin: germline.
Comment: This sequence change replaces glycine, which is neutral and non-polar, with aspartic acid, which is acidic and polar, at codon 456 of the LAMC3 protein (p.Gly456Asp). This variant is not present in population databases (gnomAD no frequency). This variant has not been reported in the literature in individuals affected with LAMC3-related conditions. ClinVar contains an entry for this variant (Variation ID: 1481002). Algorithms developed to predict the effect of missense changes on protein structure and function (SIFT, PolyPhen-2, Align-GVGD) all suggest that this variant is likely to be disruptive. In summary, the available evidence is currently insufficient to determine the role of this variant in disease. Therefore, it has been classified as a Variant of Uncertain Significance.